The following is an entry in ClinVar:

NM_002241.5(KCNJ10):c.503A>T (p.Lys168Met)

Gene: KCNJ10 (potassium inwardly rectifying channel subfamily J member 10; minus strand). Cytogenetic location: 1q23.2.
Variant type: single nucleotide variant.
Coding change: c.503A>T on transcript NM_002241.5 (MANE Select); coding-DNA position 503, A replaced by T.
Protein change: p.Lys168Met; replaces lysine 168 with methionine.
Molecular consequence: missense variant.
Genome position (GRCh38, 1-based): chr1:160,042,030, T>A on the plus strand (A>T on the coding strand, the complement: KCNJ10 is on the minus strand). VCF-style: chr1-160042030-T-A. GRCh37 (hg19) VCF-style: chr1-160011820-T-A.
Other names: short protein forms K168M.
Identifiers: ClinVar variation 2014356 (VCV002014356.4), dbSNP rs1289620477, ClinGen allele CA343226696.

ClinVar aggregate classification (germline): Uncertain significance (1 of 4 stars; one submission).

Conditions:
EAST syndrome (SESAMES). Also called: SEIZURES, SENSORINEURAL DEAFNESS, ATAXIA, IMPAIRED INTELLECTUAL DEVELOPMENT, AND ELECTROLYTE IMBALANCE. Identifiers: Orphanet 199343, MedGen C2748572, MONDO:0013005, OMIM 612780.

Allele frequency attached by ClinVar (database versions not stated): TOPMed below 0.00001; gnomAD 0.00001.
gnomAD v4.1: 1 of 1,561,132 alleles (0.000064%); highest among the groups gnomAD compares: Non-Finnish European, 0.000087%; no homozygotes.

Submission:

Labcorp Genetics (formerly Invitae), Labcorp
Classification: Uncertain significance for EAST syndrome. Last evaluated: 2023-08-30. Review status: criteria provided, single submitter. Criteria: Invitae Variant Classification Sherloc (09022015). Collection method: clinical testing. Allele origin: germline.
Comment: In summary, the available evidence is currently insufficient to determine the role of this variant in disease. Therefore, it has been classified as a Variant of Uncertain Significance. Advanced modeling of protein sequence and biophysical properties (such as structural, functional, and spatial information, amino acid conservation, physicochemical variation, residue mobility, and thermodynamic stability) performed at Invitae indicates that this missense variant is expected to disrupt KCNJ10 protein function. ClinVar contains an entry for this variant (Variation ID: 2014356). This variant has not been reported in the literature in individuals affected with KCNJ10-related conditions. This variant is not present in population databases (gnomAD no frequency). This sequence change replaces lysine, which is basic and polar, with methionine, which is neutral and non-polar, at codon 168 of the KCNJ10 protein (p.Lys168Met).